The following is an entry in ClinVar:

ClinVar aggregate classification (germline): Uncertain significance (1 of 4 stars; one submission).

Submission:

Ambry Genetics
Classification: Uncertain significance. Last evaluated: 2025-06-12. Review status: criteria provided, single submitter. Criteria: Ambry Variant Classification Scheme 2023. Collection method: clinical testing. Allele origin: germline.
Comment: The p.E1014D variant (also known as c.3042G>C), located in coding exon 27 of the KIF1B gene, results from a G to C substitution at nucleotide position 3042. The glutamic acid at codon 1014 is replaced by aspartic acid, an amino acid with highly similar properties. This amino acid position is conserved. In addition, this alteration is predicted to be tolerated by in silico analysis. Based on the available evidence, the clinical significance of this variant remains unclear.

NM_001365951.3(KIF1B):c.3180G>C (p.Glu1060Asp)

Gene: KIF1B (kinesin family member 1B; plus strand). Cytogenetic location: 1p36.22.
Variant type: single nucleotide variant.
Coding change: c.3180G>C on transcript NM_001365951.3 (MANE Select); coding-DNA position 3180, G replaced by C.
Protein change: p.Glu1060Asp; replaces glutamic acid 1060 with aspartic acid.
Molecular consequence: missense variant.
Genome position (GRCh38, 1-based): chr1:10,337,124, G>C. VCF-style: chr1-10337124-G-C. GRCh37 (hg19) VCF-style: chr1-10397182-G-C.
Other names: c.3180G>C, p.Glu1060Asp (NM_001365952.1); c.3042G>C, p.Glu1014Asp (NM_015074.3); short protein forms E1060D, E1014D.
Identifiers: ClinVar variation 4043172 (VCV004043172.1).
Genomic context (GRCh38, chr1:10,337,124, plus strand): 5'-TTTTTTTCAGAGTGACTTTTCGTCTGTTGCAATGACTCGTTCTGGTCTGTCCTTGGAGGA[G>C]TTGAGGATTGTGGAAGGACAGGGTCAGAGTTCTGAGGTCATCACTCCTCCAGAAGAAATC-3'
Protein context (NP_001352880.1, residues 1050-1070): AMTRSGLSLE[Glu1060Asp]LRIVEGQGQS